The following is an entry in ClinVar:

ClinVar aggregate classification (germline): Uncertain significance (1 of 4 stars; one submission).

Submission:

Mayo Clinic Laboratories, Mayo Clinic
Classification: Uncertain significance. Last evaluated: 2025-08-06. Review status: criteria provided, single submitter. Criteria: ACMG Guidelines, 2015. Collection method: clinical testing. Allele origin: germline. Observed: 1 variant allele.
Comment: BP4_moderate

NM_002101.5(GYPC):c.245G>A (p.Arg82His)

Gene: GYPC (glycophorin C (Gerbich blood group); plus strand). Cytogenetic location: 2q14.3.
Variant type: single nucleotide variant.
Coding change: c.245G>A on transcript NM_002101.5 (MANE Select); coding-DNA position 245, G replaced by A.
Protein change: p.Arg82His; replaces arginine 82 with histidine.
Molecular consequence: missense variant.
Genome position (GRCh38, 1-based): chr2:126,696,000, G>A. VCF-style: chr2-126696000-G-A. GRCh37 (hg19) VCF-style: chr2-127453576-G-A.
Other names: p.Arg82His; c.182G>A, p.Arg61His (NM_001256584.2); c.188G>A, p.Arg63His (NM_016815.4); short protein forms R61H, R63H, R82H.
Identifiers: ClinVar variation 4540662 (VCV004540662.1).